The following is an entry in ClinVar:

ClinVar aggregate classification (germline): Uncertain significance (1 of 4 stars; one submission).

Submission:

GeneDx
Classification: Uncertain significance. Last evaluated: 2024-09-18. Review status: criteria provided, single submitter. Criteria: GeneDx Variant Classification Process June 2021. Collection method: clinical testing. Allele origin: germline. Affected: yes.
Comment: In silico analysis supports that this missense variant has a deleterious effect on protein structure/function; Has not been previously published as pathogenic or benign to our knowledge

NM_001256012.3(MYH10):c.3481G>A (p.Glu1161Lys)

Gene: MYH10 (myosin heavy chain 10; minus strand). Cytogenetic location: 17p13.1.
Variant type: single nucleotide variant.
Coding change: c.3481G>A on transcript NM_001256012.3 (MANE Select); coding-DNA position 3481, G replaced by A.
Protein change: p.Glu1161Lys; replaces glutamic acid 1161 with lysine.
Molecular consequence: missense variant.
Genome position (GRCh38, 1-based): chr17:8,504,812, C>T on the plus strand (G>A on the coding strand, the complement: MYH10 is on the minus strand). VCF-style: chr17-8504812-C-T. GRCh37 (hg19) VCF-style: chr17-8408130-C-T.
Other names: c.3415G>A, p.Glu1139Lys (NM_001256095.2); c.3418G>A, p.Glu1140Lys (NM_001375266.1); c.3388G>A, p.Glu1130Lys (NM_005964.5); short protein forms E1130K, E1139K, E1140K, E1161K.
Identifiers: ClinVar variation 3774169 (VCV003774169.1).
Genomic context (GRCh38, chr17:8,504,812, plus strand): 5'-CTTCCAGTTCCTCACTCAAGTCCCTTTTCTGCTTTTCGGCCTTGTTCCGTGAAGCCTTCT[C>T]GGATTCAAAGTCTTCCTGAAGTTCAGCAATTTGGGCTTGTAGCTCTCGCACAACTTTAAG-3'
Protein context (NP_001242941.1, residues 1151-1171): IAELQEDFES[Glu1161Lys]KASRNKAEKQ